The following is an entry in ClinVar:

ClinVar aggregate classification (germline): Uncertain significance (1 of 4 stars; one submission).

Conditions:
Aicardi-Goutieres syndrome 2. Identifiers: Orphanet 51, MedGen C3489724, MONDO:0012429, OMIM 610181.

Allele frequency attached by ClinVar (database versions not stated): gnomAD exomes below 0.00001 and 0.00001; TOPMed below 0.00001; ExAC 0.00001.
gnomAD v4.1: 7 of 1,586,778 alleles (0.00044%); highest among the groups gnomAD compares: Admixed American, 0.0017%; no homozygotes.

Submission:

Labcorp Genetics (formerly Invitae), Labcorp
Classification: Uncertain significance for Aicardi-Goutieres syndrome 2. Last evaluated: 2022-03-19. Review status: criteria provided, single submitter. Criteria: Invitae Variant Classification Sherloc (09022015). Collection method: clinical testing. Allele origin: germline.
Comment: This sequence change replaces glutamic acid, which is acidic and polar, with glutamine, which is neutral and polar, at codon 149 of the RNASEH2B protein (p.Glu149Gln). This variant is present in population databases (rs770355902, gnomAD 0.0009%). This variant has not been reported in the literature in individuals affected with RNASEH2B-related conditions. ClinVar contains an entry for this variant (Variation ID: 663096). Algorithms developed to predict the effect of missense changes on protein structure and function are either unavailable or do not agree on the potential impact of this missense change (SIFT: "Tolerated"; PolyPhen-2: "Probably Damaging"; Align-GVGD: "Class C0"). Algorithms developed to predict the effect of sequence changes on RNA splicing suggest that this variant may disrupt the consensus splice site. In summary, the available evidence is currently insufficient to determine the role of this variant in disease. Therefore, it has been classified as a Variant of Uncertain Significance.

NM_024570.4(RNASEH2B):c.445G>C (p.Glu149Gln)

Gene: RNASEH2B (ribonuclease H2 subunit B; plus strand). Cytogenetic location: 13q14.3.
Variant type: single nucleotide variant.
Coding change: c.445G>C on transcript NM_024570.4 (MANE Select); coding-DNA position 445, G replaced by C.
Protein change: p.Glu149Gln; replaces glutamic acid 149 with glutamine.
Molecular consequence: missense variant.
Genome position (GRCh38, 1-based): chr13:50,943,329, G>C. VCF-style: chr13-50943329-G-C. GRCh37 (hg19) VCF-style: chr13-51517465-G-C.
Other names: c.445G>C, p.Glu149Gln (NM_001142279.2); short protein forms E149Q.
Identifiers: ClinVar variation 663096 (VCV000663096.4), dbSNP rs770355902, ClinGen allele CA6985585.